The following is an entry in ClinVar:

ClinVar aggregate classification (germline): Uncertain significance (1 of 4 stars; one submission).

Submission:

GeneDx
Classification: Uncertain significance. Last evaluated: 2025-06-26. Review status: criteria provided, single submitter. Criteria: GeneDx Variant Classification Process June 2021. Collection method: clinical testing. Allele origin: germline. Affected: yes.
Comment: Not observed at significant frequency in large population cohorts (gnomAD); In silico analysis supports that this missense variant has a deleterious effect on protein structure/function; Has not been previously published as pathogenic or benign to our knowledge; This variant is associated with the following publications: (PMID: 22696272)

NM_000093.5(COL5A1):c.3628G>A (p.Gly1210Arg)

Gene: COL5A1 (collagen type V alpha 1 chain; plus strand). Cytogenetic location: 9q34.3.
Variant type: single nucleotide variant.
Coding change: c.3628G>A on transcript NM_000093.5 (MANE Select); coding-DNA position 3628, G replaced by A.
Protein change: p.Gly1210Arg; replaces glycine 1210 with arginine.
Molecular consequence: missense variant.
Genome position (GRCh38, 1-based): chr9:134,811,537, G>A. VCF-style: chr9-134811537-G-A. GRCh37 (hg19) VCF-style: chr9-137703383-G-A.
Other names: c.3628G>A, p.Gly1210Arg (NM_001278074.1); short protein forms G1210R.
Identifiers: ClinVar variation 4540345 (VCV004540345.1).